The following is an entry in ClinVar:

NM_003803.4(MYOM1):c.2969C>T (p.Ala990Val)

Gene: MYOM1 (myomesin 1; minus strand). Cytogenetic location: 18p11.31.
Variant type: single nucleotide variant.
Coding change: c.2969C>T on transcript NM_003803.4 (MANE Select); coding-DNA position 2969, C replaced by T.
Protein change: p.Ala990Val; replaces alanine 990 with valine.
Molecular consequence: missense variant.
Genome position (GRCh38, 1-based): chr18:3,126,723, G>A on the plus strand (C>T on the coding strand, the complement: MYOM1 is on the minus strand). VCF-style: chr18-3126723-G-A. GRCh37 (hg19) VCF-style: chr18-3126721-G-A.
Other names: c.2681C>T, p.Ala894Val (NM_019856.2); short protein forms A894V, A990V.
Identifiers: ClinVar variation 4739749 (VCV004739749.1).
Genomic context (GRCh38, chr18:3,126,723, plus strand): 5'-CATAGGACACGCCACACTACAGAAAGTCACGTGCTTACCTTGTATGCCTCCTCACTGACA[G>A]CCTTGACATTGGCTTCTCTCCATTTTCCTGGTACCCCATCAATGACCTCGCGATAGTTCA-3'
Protein context (NP_003794.3, residues 980-1000): PGKWREANVK[Ala990Val]VSEEAYKISN

ClinVar aggregate classification (germline): Uncertain significance (1 of 4 stars; one submission).

Conditions:
Hypertrophic cardiomyopathy. Also called: HYPERTROPHIC MYOCARDIOPATHY. Identifiers: Orphanet 217569, MedGen C0007194, MeSH D002312, MONDO:0005045, HP:0001639.

gnomAD v4.1: 1 of 1,613,550 alleles (0.000062%); highest among the groups gnomAD compares: African/African-American, 0.0013%; no homozygotes.

Submission:

Labcorp Genetics (formerly Invitae), Labcorp
Classification: Uncertain significance for Hypertrophic cardiomyopathy. Last evaluated: 2025-12-27. Review status: criteria provided, single submitter. Criteria: Invitae Variant Classification Sherloc (09022015). Collection method: clinical testing. Allele origin: germline.
Comment: This sequence change replaces alanine, which is neutral and non-polar, with valine, which is neutral and non-polar, at codon 990 of the MYOM1 protein (p.Ala990Val). This variant is not present in population databases (gnomAD no frequency). This variant has not been reported in the literature in individuals affected with MYOM1-related conditions. Invitae Evidence Modeling of protein sequence and biophysical properties (such as structural, functional, and spatial information, amino acid conservation, physicochemical variation, residue mobility, and thermodynamic stability) indicates that this missense variant is not expected to disrupt MYOM1 protein function with a negative predictive value of 80%. In summary, the available evidence is currently insufficient to determine the role of this variant in disease. Therefore, it has been classified as a Variant of Uncertain Significance.